The following is an entry in ClinVar:

NM_005751.5(AKAP9):c.10370GAA[1] (p.Arg3458del)

Gene: AKAP9 (A-kinase anchoring protein 9; plus strand). Cytogenetic location: 7q21.2.
Variant type: Microsatellite.
Coding change: c.10370GAA[1] on transcript NM_005751.5 (MANE Select); one copy of the 3-base unit GAA starting at c.10370; the reference has two copies in a row; one copy, 3 bases deleted.
Protein change: p.Arg3458del; deletes arginine 3458.
Molecular consequence: inframe indel (on NM_005751.4).
Genome position (GRCh38, 1-based): chr7:92,097,332-92,097,334, GAA deleted; deleting any 3 consecutive bases within chr7:92,097,328-92,097,334 gives the same sequence; the position shown is the placement nearest the transcript's 3' end. VCF-style (leftmost placement, unchanged base first): chr7-92097327-TAGA-T. GRCh37 (hg19) VCF-style: chr7-91726641-TAGA-T.
Other names: c.10373_10375delGAA (NM_005751.4); c.5015GAA[1], p.Arg1673del (NM_001379277.1); c.10370_10372GAA[1], p.Arg3458del (NM_005751.4); c.10346GAA[1], p.Arg3450del (NM_147185.3); short protein forms R1673del, R3450del, R3458del.
Identifiers: ClinVar variation 3710927 (VCV003710927.3).
Genomic context (GRCh38, chr7:92,097,327, plus strand): 5'-ACAAGGAATCATGCAGGAATTCCAGAAGCAAGAACTAGAACGAGAAGAAAAACGAGAAAG[TAGA>T]AGAATTCTGTATCAGAACCTTAATGAGGTAAACTGACAGTTTCTTTTTAGATATTTTTAA-3'

ClinVar aggregate classification (germline): Uncertain significance. Review status: criteria provided, multiple submitters, no conflicts (2 of 4 stars). 2 submissions from 2 submitters: Uncertain significance (2). Last evaluated 2025-04-09.

Conditions:
Cardiovascular phenotype. Identifiers: MedGen CN230736.
Long QT syndrome (LQTS). Identifiers: MedGen C0023976, MeSH D008133, MONDO:0002442. Disease mechanism: loss of function. Inheritance: Various modes of inheritance.

Submissions (2):

Ambry Genetics
Classification: Uncertain significance for Cardiovascular phenotype. Last evaluated: 2025-04-09. Review status: criteria provided, single submitter. Criteria: Ambry Variant Classification Scheme 2023. Collection method: clinical testing. Allele origin: germline.
Comment: The c.10373_10375delGAA variant (also known as p.R3458del) is located in coding exon 41 of the AKAP9 gene. This variant results from an in-frame GAA deletion at nucleotide positions 10373 to 10375. This results in the in-frame deletion of an arginine at codon 3458. This amino acid position is well conserved in available vertebrate species. In addition, the in silico prediction for this alteration is inconclusive (Choi Y et al. PLoS ONE. 2012; 7(10):e46688). The evidence for this gene-disease relationship is limited; therefore, the clinical significance of this alteration is unclear.

Labcorp Genetics (formerly Invitae), Labcorp
Classification: Uncertain significance for Long QT syndrome. Last evaluated: 2024-04-09. Review status: criteria provided, single submitter. Criteria: Invitae Variant Classification Sherloc (09022015). Collection method: clinical testing. Allele origin: germline.
Comment: This variant, c.10373_10375del, results in the deletion of 1 amino acid(s) of the AKAP9 protein (p.Arg3458del), but otherwise preserves the integrity of the reading frame. This variant is present in population databases (rs757087367, gnomAD 0.01%). This variant has not been reported in the literature in individuals affected with AKAP9-related conditions. Experimental studies and prediction algorithms are not available or were not evaluated, and the functional significance of this variant is currently unknown. In summary, the available evidence is currently insufficient to determine the role of this variant in disease. Therefore, it has been classified as a Variant of Uncertain Significance.